The following is an entry in ClinVar:

ClinVar aggregate classification (germline): Conflicting classifications of pathogenicity. Review status: criteria provided, conflicting classifications (1 of 4 stars). 2 submissions from 2 submitters: Uncertain significance (1); Likely benign (1). Last evaluated 2025-08-04.

Conditions:
Inborn genetic diseases. Identifiers: MedGen C0950123, MeSH D030342.

Allele frequency attached by ClinVar (database versions not stated): TOPMed 0.00003; 1000 Genomes Project 30x 0.00016; 1000 Genomes Project 0.00020; ExAC 0.00022.

Submissions (2):

Labcorp Genetics (formerly Invitae), Labcorp
Classification: Uncertain significance. Last evaluated: 2025-08-04. Review status: criteria provided, single submitter. Criteria: Invitae Variant Classification Sherloc (09022015). Collection method: clinical testing. Allele origin: germline.
Comment: This sequence change replaces arginine, which is basic and polar, with glutamine, which is neutral and polar, at codon 106 of the PNPLA1 protein (p.Arg106Gln). This variant is present in population databases (rs561297650, gnomAD 0.1%). This variant has not been reported in the literature in individuals affected with PNPLA1-related conditions. ClinVar contains an entry for this variant (Variation ID: 3216033). An algorithm developed to predict the effect of missense changes on protein structure and function outputs the following: PolyPhen-2: "Benign". The glutamine amino acid residue is found in multiple mammalian species, which suggests that this missense change does not adversely affect protein function. In summary, the available evidence is currently insufficient to determine the role of this variant in disease. Therefore, it has been classified as a Variant of Uncertain Significance.

Ambry Genetics
Classification: Likely benign for Inborn genetic diseases. Last evaluated: 2023-10-05. Review status: criteria provided, single submitter. Criteria: Ambry Variant Classification Scheme 2023. Collection method: clinical testing. Allele origin: germline.

NM_001374623.1(PNPLA1):c.317G>A (p.Arg106Gln)

Gene: PNPLA1 (patatin like domain 1, omega-hydroxyceramide transacylase; plus strand). Cytogenetic location: 6p21.31.
Variant type: single nucleotide variant.
Coding change: c.317G>A on transcript NM_001374623.1 (MANE Select); coding-DNA position 317, G replaced by A.
Protein change: p.Arg106Gln; replaces arginine 106 with glutamine.
Molecular consequence: missense variant.
Genome position (GRCh38, 1-based): chr6:36,291,431, G>A. VCF-style: chr6-36291431-G-A. GRCh37 (hg19) VCF-style: chr6-36259208-G-A.
Other names: c.32G>A, p.Arg11Gln (NM_001145716.2, NM_173676.2); c.317G>A, p.Arg106Gln (NM_001145717.1); short protein forms R106Q, R11Q.
Identifiers: ClinVar variation 3216033 (VCV003216033.2), dbSNP rs561297650, ClinGen allele CA3777648.